The following is an entry in ClinVar:

NM_004787.4(SLIT2):c.1315A>G (p.Lys439Glu)

Gene: SLIT2 (slit guidance ligand 2; plus strand). Cytogenetic location: 4p15.31.
Variant type: single nucleotide variant.
Coding change: c.1315A>G on transcript NM_004787.4 (MANE Select); coding-DNA position 1315, A replaced by G.
Protein change: p.Lys439Glu; replaces lysine 439 with glutamic acid.
Molecular consequence: missense variant.
Genome position (GRCh38, 1-based): chr4:20,524,054, A>G. VCF-style: chr4-20524054-A-G. GRCh37 (hg19) VCF-style: chr4-20525677-A-G.
Other names: c.1327A>G, p.Lys443Glu (NM_001289135.3); c.1315A>G, p.Lys439Glu (NM_001289136.3); c.1315A>G (NM_004787.1); short protein forms K439E, K443E.
Identifiers: ClinVar variation 3687059 (VCV003687059.3).
Genomic context (GRCh38, chr4:20,524,054, plus strand): 5'-TTCTGTATGTGTTTCCAAAGGCATTTGGCCCAGAACCCCTTTATTTGTGACTGCCATCTC[A>G]AGTGGCTAGCGGATTATCTCCATACCAACCCGATTGAGACCAGTGGTGCCCGTTGCACCA-3'
Protein context (NP_004778.1, residues 429-449): QNPFICDCHL[Lys439Glu]WLADYLHTNP

ClinVar aggregate classification (germline): Uncertain significance. Review status: criteria provided, multiple submitters, no conflicts (2 of 4 stars). 2 submissions from 2 submitters: Uncertain significance (2). Last evaluated 2025-06-18.

gnomAD v4.1: 4 of 1,613,364 alleles (0.00025%); highest among the groups gnomAD compares: African/African-American, 0.0053%; no homozygotes.

Submissions (2):

Ambry Genetics
Classification: Uncertain significance. Last evaluated: 2025-06-18. Review status: criteria provided, single submitter. Criteria: Ambry Variant Classification Scheme 2023. Collection method: clinical testing. Allele origin: germline.

Labcorp Genetics (formerly Invitae), Labcorp
Classification: Uncertain significance. Last evaluated: 2024-05-06. Review status: criteria provided, single submitter. Criteria: Invitae Variant Classification Sherloc (09022015). Collection method: clinical testing. Allele origin: germline.
Comment: This sequence change replaces lysine, which is basic and polar, with glutamic acid, which is acidic and polar, at codon 439 of the SLIT2 protein (p.Lys439Glu). This variant is present in population databases (rs376725450, gnomAD 0.01%). This variant has not been reported in the literature in individuals affected with SLIT2-related conditions. An algorithm developed to predict the effect of missense changes on protein structure and function (PolyPhen-2) suggests that this variant is likely to be disruptive. In summary, the available evidence is currently insufficient to determine the role of this variant in disease. Therefore, it has been classified as a Variant of Uncertain Significance.